The following is an entry in ClinVar:

ClinVar aggregate classification (germline): Uncertain significance. Review status: criteria provided, multiple submitters, no conflicts (2 of 4 stars). 2 submissions from 2 submitters: Uncertain significance (2). Last evaluated 2024-10-18.

Conditions:
Inborn genetic diseases. Identifiers: MedGen C0950123, MeSH D030342.

Allele frequency attached by ClinVar (database versions not stated): TOPMed below 0.00001; gnomAD 0.00001.
gnomAD v4.1: 5 of 1,614,166 alleles (0.00031%); highest among the groups gnomAD compares: Middle Eastern, 0.016%; no homozygotes.

Submissions (2):

Labcorp Genetics (formerly Invitae), Labcorp
Classification: Uncertain significance. Last evaluated: 2024-10-18. Review status: criteria provided, single submitter. Criteria: Invitae Variant Classification Sherloc (09022015). Collection method: clinical testing. Allele origin: germline.
Comment: This sequence change replaces valine, which is neutral and non-polar, with isoleucine, which is neutral and non-polar, at codon 324 of the MECOM protein (p.Val324Ile). This variant is not present in population databases (gnomAD no frequency). This variant has not been reported in the literature in individuals affected with MECOM-related conditions. ClinVar contains an entry for this variant (Variation ID: 2389098). An algorithm developed to predict the effect of missense changes on protein structure and function (PolyPhen-2) suggests that this variant is likely to be tolerated. In summary, the available evidence is currently insufficient to determine the role of this variant in disease. Therefore, it has been classified as a Variant of Uncertain Significance.

Ambry Genetics
Classification: Uncertain significance for Inborn genetic diseases. Last evaluated: 2021-12-13. Review status: criteria provided, single submitter. Criteria: Ambry Variant Classification Scheme 2023. Collection method: clinical testing. Allele origin: germline.

NM_004991.4(MECOM):c.1534G>A (p.Val512Ile)

Gene: MECOM (MDS1 and EVI1 complex locus; minus strand). Cytogenetic location: 3q26.2.
Variant type: single nucleotide variant.
Coding change: c.1534G>A on transcript NM_004991.4 (MANE Select); coding-DNA position 1534, G replaced by A.
Protein change: p.Val512Ile; replaces valine 512 with isoleucine.
Molecular consequence: missense variant. On other transcripts: intron variant (2).
Genome position (GRCh38, 1-based): chr3:169,116,338, C>T on the plus strand (G>A on the coding strand, the complement: MECOM is on the minus strand). VCF-style: chr3-169116338-C-T. GRCh37 (hg19) VCF-style: chr3-168834126-C-T.
Other names: c.1165G>A, p.Val389Ile (NM_001105077.4); c.970G>A, p.Val324Ile (NM_001105078.4, NM_001164000.2, NM_001205194.2 and 4 more transcripts); c.973G>A, p.Val325Ile (NM_001163999.2, NM_001366467.2, NM_001366468.2 and 1 more transcripts); c.1534G>A, p.Val512Ile (NM_001366466.2); c.1133-571G>A (NM_001366473.2); c.569-571G>A (NM_001366474.2); short protein forms V324I, V389I, V325I, V512I.
Identifiers: ClinVar variation 2389098 (VCV002389098.4), dbSNP rs1179427179, ClinGen allele CA355062165.
Genomic context (GRCh38, chr3:169,116,338, plus strand): 5'-GATGTGTCATGAGGGGACTTTGACTTTTGTTTGTCTGTTCAGTACTTGATAGTCCTTTAA[C>T]AGGAGAACTAGCAGGTATCAAAGGAGGCCTGTGGTACAAGCCGGAAGGAAACAGACCAGG-3'
Protein context (NP_004982.2, residues 502-522): RPPLIPASSP[Val512Ile]KGLSSTEQTN